The following is an entry in ClinVar:

ClinVar aggregate classification (germline): Uncertain significance (1 of 4 stars; one submission).

Submission:

Labcorp Genetics (formerly Invitae), Labcorp
Classification: Uncertain significance. Last evaluated: 2024-10-24. Review status: criteria provided, single submitter. Criteria: Invitae Variant Classification Sherloc (09022015). Collection method: clinical testing. Allele origin: germline.
Comment: This sequence change replaces leucine, which is neutral and non-polar, with valine, which is neutral and non-polar, at codon 256 of the JAM3 protein (p.Leu256Val). This variant is not present in population databases (gnomAD no frequency). This variant has not been reported in the literature in individuals affected with JAM3-related conditions. ClinVar contains an entry for this variant (Variation ID: 1469353). Invitae Evidence Modeling of protein sequence and biophysical properties (such as structural, functional, and spatial information, amino acid conservation, physicochemical variation, residue mobility, and thermodynamic stability) indicates that this missense variant is not expected to disrupt JAM3 protein function with a negative predictive value of 80%. In summary, the available evidence is currently insufficient to determine the role of this variant in disease. Therefore, it has been classified as a Variant of Uncertain Significance.

NM_032801.5(JAM3):c.766C>G (p.Leu256Val)

Gene: JAM3 (junctional adhesion molecule 3; plus strand). Cytogenetic location: 11q25.
Variant type: single nucleotide variant.
Coding change: c.766C>G on transcript NM_032801.5 (MANE Select); coding-DNA position 766, C replaced by G.
Protein change: p.Leu256Val; replaces leucine 256 with valine.
Molecular consequence: missense variant.
Genome position (GRCh38, 1-based): chr11:134,148,600, C>G. VCF-style: chr11-134148600-C-G. GRCh37 (hg19) VCF-style: chr11-134018495-C-G.
Other names: c.613C>G, p.Leu205Val (NM_001205329.2); short protein forms L205V, L256V.
Identifiers: ClinVar variation 1469353 (VCV001469353.6), dbSNP rs2120384886, ClinGen allele CA383504099.